The following is an entry in ClinVar:

NM_001204.7(BMPR2):c.1739G>A (p.Gly580Glu)

Gene: BMPR2 (bone morphogenetic protein receptor type 2; plus strand). Cytogenetic location: 2q33.2.
Variant type: single nucleotide variant.
Coding change: c.1739G>A on transcript NM_001204.7 (MANE Select); coding-DNA position 1739, G replaced by A.
Protein change: p.Gly580Glu; replaces glycine 580 with glutamic acid.
Molecular consequence: missense variant.
Genome position (GRCh38, 1-based): chr2:202,555,404, G>A. VCF-style: chr2-202555404-G-A. GRCh37 (hg19) VCF-style: chr2-203420127-G-A.
Other names: short protein forms G580E.
Identifiers: ClinVar variation 4597284 (VCV004597284.1).

ClinVar aggregate classification (germline): Uncertain significance (1 of 4 stars; one submission).

Conditions:
Inborn genetic diseases. Identifiers: MedGen C0950123, MeSH D030342.

gnomAD v4.1: 1 of 1,614,038 alleles (0.000062%); highest among the groups gnomAD compares: South Asian, 0.0011%; no homozygotes.

Submission:

Ambry Genetics
Classification: Uncertain significance for Inborn genetic diseases. Last evaluated: 2025-10-13. Review status: criteria provided, single submitter. Criteria: Ambry Variant Classification Scheme 2023. Collection method: clinical testing. Allele origin: germline.
Comment: The p.G580E variant (also known as c.1739G>A), located in coding exon 12 of the BMPR2 gene, results from a G to A substitution at nucleotide position 1739. The glycine at codon 580 is replaced by glutamic acid, an amino acid with similar properties. This amino acid position is conserved. In addition, this alteration is predicted to be deleterious by in silico analysis. Based on the available evidence, the clinical significance of this variant remains unclear.